The following is an entry in ClinVar:

NM_001040108.2(MLH3):c.255G>A (p.Glu85=)

Gene: MLH3 (mutL homolog 3; minus strand). Cytogenetic location: 14q24.3.
Variant type: single nucleotide variant.
Coding change: c.255G>A on transcript NM_001040108.2 (MANE Select); coding-DNA position 255, G replaced by A.
Protein change: p.Glu85=; no amino-acid change (glutamic acid 85 retained).
Molecular consequence: synonymous variant.
Genome position (GRCh38, 1-based): chr14:75,049,401, C>T on the plus strand (G>A on the coding strand, the complement: MLH3 is on the minus strand). VCF-style: chr14-75049401-C-T. GRCh37 (hg19) VCF-style: chr14-75516104-C-T.
Other names: c.255G>A, p.Glu85= (NM_014381.3).
Identifiers: ClinVar variation 1793078 (VCV001793078.4), dbSNP rs1289973066, ClinGen allele CA487274330.

ClinVar aggregate classification (germline): Benign/Likely benign. Review status: criteria provided, multiple submitters, no conflicts (2 of 4 stars). 3 submissions from 3 submitters: Benign (1); Likely benign (2). Last evaluated 2026-04-28.

Conditions:
Colorectal cancer, hereditary nonpolyposis, type 7. Identifiers: Orphanet 144, MedGen C1858380, MONDO:0013725, OMIM 614385.

Allele frequency attached by ClinVar (database versions not stated): gnomAD exomes below 0.00001; TOPMed below 0.00001; gnomAD 0.00001.
gnomAD v4.1: 4 of 1,613,936 alleles (0.00025%); highest among the groups gnomAD compares: African/African-American, 0.0053%; no homozygotes.

Submissions (3):

Myriad Genetics, Inc.
Classification: Benign for Colorectal cancer, hereditary nonpolyposis, type 7. Last evaluated: 2026-04-28. Review status: criteria provided, single submitter. Criteria: Myriad Autosomal Dominant, Autosomal Recessive and X-Linked Classification Criteria (2023). Collection method: clinical testing. Allele origin: unknown.
Comment: This variant is considered benign. This variant is a silent/synonymous amino acid change and it is not expected to impact splicing.

Labcorp Genetics (formerly Invitae), Labcorp
Classification: Likely benign for Colorectal cancer, hereditary nonpolyposis, type 7. Last evaluated: 2025-03-20. Review status: criteria provided, single submitter. Criteria: Invitae Variant Classification Sherloc (09022015). Collection method: clinical testing. Allele origin: germline.

Ambry Genetics
Classification: Likely benign. Last evaluated: 2019-07-07. Review status: criteria provided, single submitter. Criteria: Ambry Variant Classification Scheme 2023. Collection method: clinical testing. Allele origin: germline.